The following is an entry in ClinVar:

NM_000322.5(PRPH2):c.623dup (p.Val209fs)

Gene: PRPH2 (peripherin 2; minus strand). Cytogenetic location: 6p21.1.
Variant type: Duplication.
Coding change: c.623dup on transcript NM_000322.5 (MANE Select); coding-DNA position 623, one base duplicated (G; older notation c.623dupG).
Protein change: p.Val209fs; shifts the reading frame from valine 209.
Molecular consequence: frameshift variant.
Genome position (GRCh38, 1-based): chr6:42,704,570, C duplicated on the plus strand (G on the coding strand, the reverse complement: PRPH2 is on the minus strand); the first of 2 consecutive C bases (chr6:42,704,570-42,704,571); duplicating either gives the same sequence. VCF-style (leftmost placement, unchanged base first): chr6-42704569-G-GC. GRCh37 (hg19) VCF-style: chr6-42672307-G-GC.
Other names: c.623dupG (NM_000322.4); c.623dup (NM_000322.4); short protein forms V209fs.
Identifiers: ClinVar variation 98685 (VCV000098685.4), dbSNP rs62641253, ClinGen allele CA226266.
Genomic context (GRCh38, chr6:42,704,569, plus strand): 5'-GGTGATCTGATACTGGATGCAGGGCCGTGGCGAGCTAGGATTGCAGCAGCTGAAAGGGAC[G>GC]CCGTCCACCAGGTACCGCCCATCCACGTTGCTCTTGATTCGACTTAAAGGGAAACAGACA-3'

ClinVar aggregate classification (germline): Likely pathogenic. Review status: criteria provided, single submitter (1 of 4 stars). 4 submissions from 4 submitters: Likely pathogenic (1). 3 of the submissions do not count toward it. Last evaluated 2019-02-13.

Conditions:
PRPH2-related disorder. Also called: PRPH2-related disorders; PRPH2-related condition. Identifiers: MedGen CN239395.

Submissions (4):

Blueprint Genetics
Classification: Likely pathogenic for PRPH2-related disorders. Last evaluated: 2019-02-13. Review status: criteria provided, single submitter. Criteria: ACMG Guidelines, 2015. Collection method: clinical testing. Allele origin: germline. Affected: yes. Observed: 3 variant alleles.

PreventionGenetics, part of Exact Sciences
Classification: Pathogenic for PRPH2-related condition. Last evaluated: 2024-08-30. Review status: no assertion criteria provided. Collection method: clinical testing. Allele origin: germline. Not counted in ClinVar's aggregate classification.
Comment: The PRPH2 c.623dupG variant is predicted to result in a frameshift and premature protein termination (p.Val209Argfs*9). This variant has been reported in the heterozygous state in individuals with presumably autosomal dominant retinal disease (referred to as Gly208insG, Kohl et al. 1997. PubMed ID: 9279751; Table S2, Peeters et al. 2021. PubMed ID: 34411390). This variant has not been reported in a large population database, indicating this variant is rare. Frameshift variants in PRPH2 are an established mechanism of disease. Given the evidence, we interpret this variant as pathogenic for autosomal dominant disease.

Leiden Open Variation Database
Classification: Pathogenic. Last evaluated: 2021-04-06. Review status: no assertion criteria provided. Collection method: curation. Allele origin: germline. Affected: yes. Not counted in ClinVar's aggregate classification.
Comment: Curator: Global Variome, with Curator vacancy. Submitter to LOVD: Manon Peeters.

Retina International
No classification provided. Review status: no classification provided. Collection method: not provided. Allele origin: not provided. Not counted in ClinVar's aggregate classification.

Literature cited by the submitters: PubMed 9279751 (cited by Leiden Open Variation Database).